The following is an entry in ClinVar:

NM_025074.7(FRAS1):c.9123_9124del (p.Thr3041_Ile3042insTer)

Gene: FRAS1 (Fraser extracellular matrix complex subunit 1; plus strand). Cytogenetic location: 4q21.21.
Variant type: Deletion.
Coding change: c.9123_9124del on transcript NM_025074.7 (MANE Select); coding-DNA positions 9123 to 9124, 2 bases deleted (CA; older notation c.9123_9124delCA).
Protein change: p.Thr3041_Ile3042insTer.
Molecular consequence: frameshift variant.
Genome position (GRCh38, 1-based): chr4:78,499,728-78,499,729, CA deleted. VCF-style (leftmost placement, unchanged base first): chr4-78499727-CCA-C. GRCh37 (hg19) VCF-style: chr4-79420881-CCA-C.
Identifiers: ClinVar variation 1179121 (VCV001179121.2), dbSNP rs1263546070, ClinGen allele CA552765468.

ClinVar aggregate classification (germline): Likely pathogenic (1 of 4 stars; one submission).

Conditions:
Fraser syndrome 1 (FRASRS1). Also called: CRYPTOPHTHALMOS WITH OTHER MALFORMATIONS. Identifiers: Orphanet 2052, MedGen C4551480, MONDO:0054737, OMIM 219000.

Submission:

Fulgent Genetics
Classification: Likely pathogenic for Fraser syndrome 1. Last evaluated: 2021-06-30. Review status: criteria provided, single submitter. Criteria: ACMG Guidelines, 2015. Collection method: clinical testing. Allele origin: unknown.
Comment: This variant has been detected in individual(s) who were sent for testing of Renasight - kidney gene panel.